The following continues an entry in ClinVar:

NM_000465.4(BARD1):c.1212C>G (p.Tyr404Ter)

Gene: BARD1. ClinVar aggregate classification (germline): Pathogenic. Pathogenic (17).

Submissions 13 to 18 of 18:

Department of Pathology and Laboratory Medicine, Sinai Health System
Classification: Pathogenic for BARD1-related cancer predisposition. Last evaluated: 2022-07-18. Review status: criteria provided, single submitter. Criteria: ACMG Guidelines, 2015. Collection method: clinical testing. Allele origin: germline. Affected: no.

Fulgent Genetics
Classification: Pathogenic for Familial cancer of breast. Last evaluated: 2022-05-23. Review status: criteria provided, single submitter. Criteria: ACMG Guidelines, 2015. Collection method: clinical testing. Allele origin: unknown.

Women's Health and Genetics/Laboratory Corporation of America, LabCorp
Classification: Pathogenic for Hereditary breast and ovarian cancer syndrome. Last evaluated: 2020-06-09. Review status: criteria provided, single submitter. Criteria: LabCorp Variant Classification Summary - May 2015. Collection method: clinical testing. Allele origin: germline.
Comment: Variant summary: BARD1 c.1212C>G (p.Tyr404X) results in a premature termination codon, predicted to cause a truncation of the encoded protein or absence of the protein due to nonsense mediated decay, which are commonly known mechanisms for disease. Truncations downstream of this position have been classified as pathogenic by our laboratory. The variant allele was found at a frequency of 4e-06 in 250984 control chromosomes (gnomAD). c.1212C>G has been reported in the literature in individuals with personal and/or family history of breast or ovarian cancer (e.g. Carter_2018, Kaur_2018, Ramus_2015). These data indicate that the variant is likely associated with disease. To our knowledge, no experimental evidence demonstrating an impact on protein function has been reported. Seven ClinVar submitters (evaluation after 2014) cite the variant as pathogenic. Based on the evidence outlined above, the variant was classified as pathogenic.

Mendelics
Classification: Pathogenic for Familial cancer of breast. Last evaluated: 2018-07-02. Review status: criteria provided, single submitter. Criteria: Mendelics Assertion Criteria 2017. Collection method: clinical testing. Allele origin: unknown.

HudsonAlpha Institute for Biotechnology
Classification: Pathogenic for Familial cancer of breast. Last evaluated: 2016-10-13. Review status: criteria provided, single submitter. Criteria: HA_assertions_20150911. Collection method: research. Allele origin: unknown, maternal. Observed: 2 variant alleles. Study: CSER-HudsonAlpha.

PreventionGenetics, part of Exact Sciences
Classification: Pathogenic for BARD1-related condition. Last evaluated: 2024-06-20. Review status: no assertion criteria provided. Collection method: clinical testing. Allele origin: germline. Not counted in ClinVar's aggregate classification.
Comment: The BARD1 c.1212C>G variant is predicted to result in premature protein termination (p.Tyr404*). This variant has been reported in at least five individuals (including one sibling pair) with a personal and/or family history of breast and ovarian cancer (Ramus et al. 2015. PubMed ID: 26315354; Lilyquist et al. 2017. PubMed ID: 28888541; Kaur et al. 2018. PubMed ID: 29700634; Carter et al. 2018. PubMed ID: 30322717). This variant has also been reported in an individual with prostate cancer (Matejcic et al. 2020. PubMed ID: 32832836). This variant is reported in 0.0040% of alleles in individuals of European (Finnish) descent in gnomAD. It is interpreted as pathogenic in ClinVar. Nonsense variants in BARD1 are expected to be pathogenic. This variant is interpreted as pathogenic.

Literature cited by the submitters: PubMed 20077502 (cited by Labcorp Genetics (formerly Invitae), Labcorp); PubMed 21344236 (cited by Labcorp Genetics (formerly Invitae), Labcorp); PubMed 26315354 (cited by 6 submitters); PubMed 33471991 (cited by Quest Diagnostics Nichols Institute San Juan Capistrano); PubMed 36315097 (cited by 4 submitters); PubMed 30322717 (cited by 5 submitters); PubMed 29790872 (cited by Quest Diagnostics Nichols Institute San Juan Capistrano and Women's Health and Genetics/Laboratory Corporation of America, LabCorp); PubMed 31341520 (cited by 4 submitters); PubMed 28888541 (cited by Quest Diagnostics Nichols Institute San Juan Capistrano and Variantyx, Inc.); PubMed 31118792 (cited by Quest Diagnostics Nichols Institute San Juan Capistrano); PubMed 34887416 (cited by Variantyx, Inc. and Center for Genomic Medicine, Rigshospitalet, Copenhagen University Hospital); PubMed 29700634 (cited by 3 submitters).